The following is an entry in ClinVar:

ClinVar aggregate classification (germline): Likely benign. Review status: criteria provided, multiple submitters, no conflicts (2 of 4 stars). 3 submissions from 3 submitters: Likely benign (3). Last evaluated 2025-09-11.

Conditions:
Hereditary pheochromocytoma and paraganglioma. Also called: Hereditary Paraganglioma-Pheochromocytoma Syndromes; Hereditary pheochromocytoma-paraganglioma; Hereditary paragangliomas and pheochromocytomas. Identifiers: Orphanet 29072, MedGen C4274332, MONDO:0017366.
Pheochromocytoma. Also called: MAX-Related Hereditary Paraganglioma-Pheochromocytoma Syndrome. Identifiers: Orphanet 29072, MedGen C0031511, MONDO:0008233, OMIM 171300, HP:0002666.
Pheochromocytoma/paraganglioma syndrome 4. Also called: CAROTID BODY TUMORS AND MULTIPLE EXTRAADRENAL PHEOCHROMOCYTOMAS; PARAGANGLIOMA, FAMILIAL MALIGNANT; PARAGANGLIOMAS, HEREDITARY EXTRAADRENAL; PHEOCHROMOCYTOMA, FAMILIAL EXTRAADRENAL; Paragangliomas 4; SDHB-Related Hereditary Paraganglioma-Pheochromocytoma Syndrome (Paragangliomas 4). Identifiers: Orphanet 29072, MedGen C1861848, MONDO:0007273, OMIM 115310.
Gastrointestinal stromal tumor. Also called: Gastrointestinal stroma tumor; Gastrointestinal stromal tumor, somatic. Identifiers: Orphanet 44890, MedGen C0238198, MeSH D046152, MONDO:0011719, OMIM 606764, HP:0100723.

Allele frequency attached by ClinVar (database versions not stated): ExAC 0.00001; gnomAD exomes 0.00001.
gnomAD v4.1: 7 of 1,613,292 alleles (0.00043%); highest among the groups gnomAD compares: Non-Finnish European, 0.00059%; no homozygotes.

Submissions (3):

Labcorp Genetics (formerly Invitae), Labcorp
Classification: Likely benign for Gastrointestinal stromal tumor; Pheochromocytoma/paraganglioma syndrome 4; Pheochromocytoma. Last evaluated: 2025-09-11. Review status: criteria provided, single submitter. Criteria: Invitae Variant Classification Sherloc (09022015). Collection method: clinical testing. Allele origin: germline.

Color Diagnostics, LLC DBA Color Health
Classification: Likely benign for Hereditary pheochromocytoma and paraganglioma. Last evaluated: 2025-06-23. Review status: criteria provided, single submitter. Criteria: ACMG Guidelines, 2015. Collection method: clinical testing. Allele origin: germline.

Myriad Genetics, Inc.
Classification: Likely benign for Pheochromocytoma/paraganglioma syndrome 4. Last evaluated: 2025-03-12. Review status: criteria provided, single submitter. Criteria: Myriad Autosomal Dominant, Autosomal Recessive and X-Linked Classification Criteria (2023). Collection method: clinical testing. Allele origin: unknown.
Comment: This variant is considered likely benign. This variant is intronic and is not expected to impact mRNA splicing.

NM_003000.3(SDHB):c.287-13G>A

Gene: SDHB (succinate dehydrogenase complex iron sulfur subunit B; minus strand). Cytogenetic location: 1p36.13.
Variant type: single nucleotide variant.
Coding change: c.287-13G>A on transcript NM_003000.3 (MANE Select); 13 bases into the intron before coding-DNA position 287, G replaced by A.
Molecular consequence: intron variant.
Genome position (GRCh38, 1-based): chr1:17,028,749, C>T on the plus strand (G>A on the coding strand, the complement: SDHB is on the minus strand). VCF-style: chr1-17028749-C-T. GRCh37 (hg19) VCF-style: chr1-17355244-C-T.
Identifiers: ClinVar variation 2063307 (VCV002063307.6), dbSNP rs769089471, ClinGen allele CA089568.